The following is an entry in ClinVar:

ClinVar aggregate classification (germline): Pathogenic (1 of 4 stars; one submission).

Conditions:
Congenital myotonia, autosomal dominant form (THD). Also called: THOMSEN DISEASE; Myotonia congenita autosomal dominant. Identifiers: Orphanet 614, MedGen C2936781, MONDO:0008055, OMIM 160800.
Congenital myotonia, autosomal recessive form. Also called: BECKER DISEASE; Becker Generalized Myotonia; myotonia congenita, autosomal recessive. Identifiers: Orphanet 614, MedGen C0751360, MONDO:0009715, OMIM 255700.

Submission:

Labcorp Genetics (formerly Invitae), Labcorp
Classification: Pathogenic for Congenital myotonia, autosomal recessive form; Congenital myotonia, autosomal dominant form. Last evaluated: 2023-03-03. Review status: criteria provided, single submitter. Criteria: Invitae Variant Classification Sherloc (09022015). Collection method: clinical testing. Allele origin: germline.
Comment: This variant is not present in population databases (gnomAD no frequency). This variant has not been reported in the literature in individuals affected with CLCN1-related conditions. Algorithms developed to predict the effect of sequence changes on RNA splicing suggest that this variant may disrupt the consensus splice site. For these reasons, this variant has been classified as Pathogenic. This sequence change creates a premature translational stop signal (p.Ala437Glyfs*2) in the CLCN1 gene. It is expected to result in an absent or disrupted protein product. Loss-of-function variants in CLCN1 are known to be pathogenic (PMID: 17932099, 22094069, 23739125).

Literature cited by the submitters: PubMed 17932099; PubMed 22094069; PubMed 23739125.

NM_000083.3(CLCN1):c.1310_1311del (p.Ala437fs)

Gene: CLCN1 (chloride voltage-gated channel 1; plus strand). Cytogenetic location: 7q34.
Variant type: Microsatellite.
Coding change: c.1310_1311del on transcript NM_000083.3 (MANE Select); coding-DNA positions 1310 to 1311, 2 bases deleted (CG; older notation c.1310_1311delCG).
Protein change: p.Ala437fs; shifts the reading frame from alanine 437.
Molecular consequence: frameshift variant.
Genome position (GRCh38, 1-based): chr7:143,332,782-143,332,783, CG deleted; deleting any 2 consecutive bases within chr7:143,332,780-143,332,783 gives the same sequence; the c. name uses the placement nearest the transcript's 3' end. VCF-style (leftmost placement, unchanged base first): chr7-143332779-ACG-A. GRCh37 (hg19) VCF-style: chr7-143029872-ACG-A.
Other names: short protein forms A437fs.
Identifiers: ClinVar variation 2944927 (VCV002944927.3), dbSNP rs2487064869, ClinGen allele CA2740094913.